The following is an entry in ClinVar:

NM_017946.4(FKBP14):c.181del (p.Ser61fs)

Genes: FKBP14 (FKBP prolyl isomerase 14; minus strand), FKBP14-AS1 (FKBP14 antisense RNA 1; plus strand). Cytogenetic location: 7p14.3.
Variant type: Deletion.
Coding change: c.181del on transcript NM_017946.4 (MANE Select); coding-DNA position 181, one base deleted (T; older notation c.181delT).
Protein change: p.Ser61fs; shifts the reading frame from serine 61.
Molecular consequence: frameshift variant. On other transcripts: non-coding transcript variant (3).
Genome position (GRCh38, 1-based): chr7:30,026,328, A deleted on the plus strand (T on the coding strand, the reverse complement: FKBP14 is on the minus strand). VCF-style (leftmost placement, unchanged base first): chr7-30026327-GA-G. GRCh37 (hg19) VCF-style: chr7-30065943-GA-G.
Other names: short protein forms S61fs.
Identifiers: ClinVar variation 4025182 (VCV004025182.1).

ClinVar aggregate classification (germline): Pathogenic (1 of 4 stars; one submission).

Conditions:
Cardiovascular phenotype. Identifiers: MedGen CN230736.

Submission:

Ambry Genetics
Classification: Pathogenic for Cardiovascular phenotype. Last evaluated: 2025-05-21. Review status: criteria provided, single submitter. Criteria: Ambry Variant Classification Scheme 2023. Collection method: clinical testing. Allele origin: germline.
Comment: The c.181delT pathogenic mutation, located in coding exon 1 of the FKBP14 gene, results from a deletion of one nucleotide at nucleotide position 181, causing a translational frameshift with a predicted alternate stop codon (p.S61Pfs*32). This variant is considered to be rare based on population cohorts in the Genome Aggregation Database (gnomAD). This alteration is expected to result in loss of function by premature protein truncation or nonsense-mediated mRNA decay. As such, this alteration is interpreted as a disease-causing mutation.